The following is an entry in ClinVar:

ClinVar aggregate classification (germline): Likely benign (0 of 4 stars; one submission).

Conditions:
NCAPD3-related disorder. Also called: NCAPD3-related condition.

Allele frequency attached by ClinVar (database versions not stated): 1000 Genomes Project 30x 0.00125; 1000 Genomes Project 0.00140; ESP Exome Variant Server 0.00154.
gnomAD v4.1: 374 of 1,614,080 alleles (0.023%); highest among the groups gnomAD compares: African/African-American, 0.43%; 1 homozygote.

Submission:

PreventionGenetics, part of Exact Sciences
Classification: Likely benign for NCAPD3-related condition. Last evaluated: 2019-12-05. Review status: no assertion criteria provided. Collection method: clinical testing. Allele origin: germline.
Comment: This variant is classified as likely benign based on ACMG/AMP sequence variant interpretation guidelines (Richards et al. 2015 PMID: 25741868, with internal and published modifications).

NM_015261.3(NCAPD3):c.3444C>G (p.Val1148=)

Gene: NCAPD3 (non-SMC condensin II complex subunit D3; minus strand). Cytogenetic location: 11q25.
Variant type: single nucleotide variant.
Coding change: c.3444C>G on transcript NM_015261.3 (MANE Select); coding-DNA position 3444, C replaced by G.
Protein change: p.Val1148=; no amino-acid change (valine 1148 retained).
Molecular consequence: synonymous variant.
Genome position (GRCh38, 1-based): chr11:134,168,125, G>C on the plus strand (C>G on the coding strand, the complement: NCAPD3 is on the minus strand). VCF-style: chr11-134168125-G-C. GRCh37 (hg19) VCF-style: chr11-134038020-G-C.
Other names: c.3444C>G, p.Val1148= (NM_001372065.1, NM_001372068.1); c.3030C>G, p.Val1010= (NM_001372069.1, NM_001372070.1).
Identifiers: ClinVar variation 3048486 (VCV003048486.2), dbSNP rs140260009, ClinGen allele CA6370839.